The following is an entry in ClinVar:

ClinVar aggregate classification (germline): Uncertain significance (1 of 4 stars; one submission).

Conditions:
Progressive myoclonic epilepsy type 8. Identifiers: Orphanet 424027, MedGen C5190825, MONDO:0014545, OMIM 616230.

Submission:

Labcorp Genetics (formerly Invitae), Labcorp
Classification: Uncertain significance for Progressive myoclonic epilepsy type 8. Last evaluated: 2020-11-25. Review status: criteria provided, single submitter. Criteria: Invitae Variant Classification Sherloc (09022015). Collection method: clinical testing. Allele origin: germline.
Comment: In summary, the available evidence is currently insufficient to determine the role of this variant in disease. Therefore, it has been classified as a Variant of Uncertain Significance. Algorithms developed to predict the effect of missense changes on protein structure and function are either unavailable or do not agree on the potential impact of this missense change (SIFT: "Deleterious"; PolyPhen-2: "Possibly Damaging"; Align-GVGD: "Class C0"). This variant has not been reported in the literature in individuals with CERS1-related conditions. The frequency data for this variant in the population databases is considered unreliable, as metrics indicate insufficient coverage at this position in the ExAC database. This sequence change replaces threonine with alanine at codon 71 of the CERS1 protein (p.Thr71Ala). The threonine residue is highly conserved and there is a small physicochemical difference between threonine and alanine.

NM_021267.5(CERS1):c.211A>G (p.Thr71Ala)

Genes: CERS1 (ceramide synthase 1; minus strand), GDF1 (growth differentiation factor 1; minus strand). Cytogenetic location: 19p13.11.
Variant type: single nucleotide variant.
Coding change: c.211A>G on transcript NM_021267.5 (MANE Select); coding-DNA position 211, A replaced by G.
Protein change: p.Thr71Ala; replaces threonine 71 with alanine.
Molecular consequence: missense variant. On other transcripts: 5 prime UTR variant (4), intron variant (3).
Genome position (GRCh38, 1-based): chr19:18,895,862, T>C on the plus strand (A>G on the coding strand, the complement: CERS1 is on the minus strand). VCF-style: chr19-18895862-T-C. GRCh37 (hg19) VCF-style: chr19-19006671-T-C.
Other names: c.211A>G, p.Thr71Ala (NM_001387439.1, NM_001387440.1, NM_001387441.1 and 1 more transcripts); c.-318A>G (NM_001387444.1); c.-265A>G (NM_001387445.1); c.-692A>G (NM_001387438.1); c.-1112A>G (NM_001492.6); c.-46+864A>G (NM_001387443.1); c.-46+699A>G (NM_001387442.1, NM_001290265.2); short protein forms T71A.
Identifiers: ClinVar variation 1488645 (VCV001488645.8), dbSNP rs1427120932, ClinGen allele CA404868301.
Genomic context (GRCh38, chr19:18,895,862, plus strand): 5'-CCCGGCCCCCGGCCACACTGACCCGAAAGAGGCGCGCAGTGGCCGCGGAGCGCAGGGCGG[T>C]CCAGCCCAGCGCGCCGAGCGCCAGCAGCAGCAGCTCGGGCGGCGCCAGGTGCGCGTGCTC-3'
Protein context (NP_067090.1, residues 61-81): LLLALGALGW[Thr71Ala]ALRSAATARL